The following is an entry in ClinVar:

ClinVar aggregate classification (germline): Uncertain significance. Review status: criteria provided, multiple submitters, no conflicts (2 of 4 stars). 4 submissions from 4 submitters: Uncertain significance (4). Last evaluated 2024-06-21.

Conditions:
Cardiovascular phenotype. Identifiers: MedGen CN230736.
Arrhythmogenic right ventricular dysplasia 5. Also called: Arrhythmogenic Right Ventricular Dysplasia/Cardiomyopathy 5; ARRHYTHMOGENIC RIGHT VENTRICULAR DYSPLASIA, FAMILIAL, 5. Identifiers: MedGen C1858379, MONDO:0011459, OMIM 604400.
Cardiomyopathy (CMYO). Also called: Cardiomyopathies. Identifiers: Orphanet 167848, MedGen C0878544, MONDO:0004994, HP:0001638. Inheritance: Various modes of inheritance.

Allele frequency attached by ClinVar (database versions not stated): gnomAD exomes below 0.00001.
gnomAD v4.1: 5 of 1,614,124 alleles (0.00031%); highest among the groups gnomAD compares: South Asian, 0.0055%; no homozygotes.

Submissions (4):

Ambry Genetics
Classification: Uncertain significance for Cardiovascular phenotype. Last evaluated: 2024-06-21. Review status: criteria provided, single submitter. Criteria: Ambry Variant Classification Scheme 2023. Collection method: clinical testing. Allele origin: germline.
Comment: The p.F224L variant (also known as c.670T>C), located in coding exon 8 of the TMEM43 gene, results from a T to C substitution at nucleotide position 670. The phenylalanine at codon 224 is replaced by leucine, an amino acid with highly similar properties. This amino acid position is conserved. In addition, this alteration is predicted to be tolerated by in silico analysis. Based on the available evidence, the clinical significance of this variant remains unclear.

Labcorp Genetics (formerly Invitae), Labcorp
Classification: Uncertain significance for Arrhythmogenic right ventricular dysplasia 5. Last evaluated: 2023-01-27. Review status: criteria provided, single submitter. Criteria: Invitae Variant Classification Sherloc (09022015). Collection method: clinical testing. Allele origin: germline.
Comment: In summary, the available evidence is currently insufficient to determine the role of this variant in disease. Therefore, it has been classified as a Variant of Uncertain Significance. This variant has not been reported in the literature in individuals affected with TMEM43-related conditions. Advanced modeling of protein sequence and biophysical properties (such as structural, functional, and spatial information, amino acid conservation, physicochemical variation, residue mobility, and thermodynamic stability) performed at Invitae indicates that this missense variant is not expected to disrupt TMEM43 protein function. ClinVar contains an entry for this variant (Variation ID: 924237). This variant is not present in population databases (gnomAD no frequency). This sequence change replaces phenylalanine, which is neutral and non-polar, with leucine, which is neutral and non-polar, at codon 224 of the TMEM43 protein (p.Phe224Leu).

Victorian Clinical Genetics Services, Murdoch Childrens Research Institute
Classification: Uncertain significance for Arrhythmogenic right ventricular dysplasia 5. Last evaluated: 2022-09-02. Review status: criteria provided, single submitter. Criteria: ACMG Guidelines, 2015. Collection method: clinical testing. Allele origin: germline. Inheritance: Autosomal dominant inheritance. Affected: yes.
Comment: Based on the classification scheme VCGS_Germline_v1.3.4, this variant is classified as VUS-3C. Following criteria are met: 0105 - The mechanism of disease for this gene is not clearly established. Loss of function is a suspected mechanism (PMID: 25343256). (I) 0107 - This gene is associated with autosomal dominant disease. (I) 0200 - Variant is predicted to result in a missense amino acid change from phenylalanine to leucine. (I) 0251 - This variant is heterozygous. (I) 0301 - Variant is absent from gnomAD (both v2 and v3). (SP) 0503 - Missense variant consistently predicted to be tolerated by multiple in silico tools or not conserved in placental mammals with a minor amino acid change. (SB) 0600 - Variant is located in the annotated TMEM43 family domain (DECIPHER). (I) 0705 - No comparable missense variants have previous evidence for pathogenicity. (I) 0809 - Previous evidence of pathogenicity for this variant is inconclusive. It has been reported once as a VUS (ClinVar). (I) 0905 - No published segregation evidence has been identified for this variant. (I) 1007 - No published functional evidence has been identified for this variant. (I) 1208 - Inheritance information for this variant is not currently available in this individual. (I) Legend: (SP) - Supporting pathogenic, (I) - Information, (SB) - Supporting benign

Color Diagnostics, LLC DBA Color Health
Classification: Uncertain significance for Cardiomyopathy. Last evaluated: 2019-12-18. Review status: criteria provided, single submitter. Criteria: ACMG Guidelines, 2015. Collection method: clinical testing. Allele origin: germline.
Comment: This missense variant replaces phenylalanine with leucine at codon 224 of the TMEM43 protein. Computational prediction tool suggests that this variant may not impact protein structure and function (internally defined REVEL score threshold ≤0.5, PMID: 27666373). Splice site prediction tools suggest that this variant may not impact RNA splicing. To our knowledge, functional studies have not been performed for this variant. This variant has not been reported in individuals affected with cardiovascular disorders in the literature. This variant has not been identified in the general population by the Genome Aggregation Database (gnomAD). The available evidence is insufficient to determine the role of this variant in disease conclusively. Therefore, this variant is classified as a Variant of Uncertain Significance.

Literature cited by the submitters: PubMed 25343256 (cited by Victorian Clinical Genetics Services, Murdoch Childrens Research Institute).

NM_024334.3(TMEM43):c.670T>C (p.Phe224Leu)

Gene: TMEM43 (transmembrane protein 43; plus strand). Cytogenetic location: 3p25.1.
Variant type: single nucleotide variant.
Coding change: c.670T>C on transcript NM_024334.3 (MANE Select); coding-DNA position 670, T replaced by C.
Protein change: p.Phe224Leu; replaces phenylalanine 224 with leucine.
Molecular consequence: missense variant.
Genome position (GRCh38, 1-based): chr3:14,134,856, T>C. VCF-style: chr3-14134856-T-C. GRCh37 (hg19) VCF-style: chr3-14176356-T-C.
Other names: short protein forms F224L.
Identifiers: ClinVar variation 924237 (VCV000924237.8), dbSNP rs1695146244, ClinGen allele CA351535602.